The following is an entry in ClinVar:

NM_002156.5(HSPD1):c.1157A>C (p.Glu386Ala)

Gene: HSPD1 (heat shock protein family D (Hsp60) member 1; minus strand). Cytogenetic location: 2q33.1.
Variant type: single nucleotide variant.
Coding change: c.1157A>C on transcript NM_002156.5 (MANE Select); coding-DNA position 1157, A replaced by C.
Protein change: p.Glu386Ala; replaces glutamic acid 386 with alanine.
Molecular consequence: missense variant.
Genome position (GRCh38, 1-based): chr2:197,489,060, T>G on the plus strand (A>C on the coding strand, the complement: HSPD1 is on the minus strand). VCF-style: chr2-197489060-T-G. GRCh37 (hg19) VCF-style: chr2-198353784-T-G.
Other names: c.1157A>C, p.Glu386Ala (NM_199440.2); short protein forms E386A.
Identifiers: ClinVar variation 1907642 (VCV001907642.5), dbSNP rs1020108381, ClinGen allele CA62852872.

ClinVar aggregate classification (germline): Uncertain significance (1 of 4 stars; one submission).

Conditions:
Spastic paraplegia. Identifiers: MedGen C0037772, HP:0001258.

Allele frequency attached by ClinVar (database versions not stated): TOPMed below 0.00001.

Submission:

Labcorp Genetics (formerly Invitae), Labcorp
Classification: Uncertain significance for Spastic paraplegia. Last evaluated: 2022-07-26. Review status: criteria provided, single submitter. Criteria: Invitae Variant Classification Sherloc (09022015). Collection method: clinical testing. Allele origin: germline.
Comment: In summary, the available evidence is currently insufficient to determine the role of this variant in disease. Therefore, it has been classified as a Variant of Uncertain Significance. Algorithms developed to predict the effect of missense changes on protein structure and function are either unavailable or do not agree on the potential impact of this missense change (SIFT: "Deleterious"; PolyPhen-2: "Possibly Damaging"; Align-GVGD: "Class C0"). This variant has not been reported in the literature in individuals affected with HSPD1-related conditions. This variant is not present in population databases (gnomAD no frequency). This sequence change replaces glutamic acid, which is acidic and polar, with alanine, which is neutral and non-polar, at codon 386 of the HSPD1 protein (p.Glu386Ala).